The following is an entry in ClinVar:

ClinVar aggregate classification (germline): Uncertain significance. Review status: criteria provided, multiple submitters, no conflicts (2 of 4 stars). 2 submissions from 2 submitters: Uncertain significance (2). Last evaluated 2025-06-19.

Submissions (2):

Labcorp Genetics (formerly Invitae), Labcorp
Classification: Uncertain significance. Last evaluated: 2025-06-19. Review status: criteria provided, single submitter. Criteria: Invitae Variant Classification Sherloc (09022015). Collection method: clinical testing. Allele origin: germline.
Comment: This sequence change replaces serine, which is neutral and polar, with phenylalanine, which is neutral and non-polar, at codon 700 of the STAG1 protein (p.Ser700Phe). This variant is not present in population databases (gnomAD no frequency). This variant has not been reported in the literature in individuals affected with STAG1-related conditions. ClinVar contains an entry for this variant (Variation ID: 3062171). Invitae Evidence Modeling of protein sequence and biophysical properties (such as structural, functional, and spatial information, amino acid conservation, physicochemical variation, residue mobility, and thermodynamic stability) indicates that this missense variant is not expected to disrupt STAG1 protein function with a negative predictive value of 80%. In summary, the available evidence is currently insufficient to determine the role of this variant in disease. Therefore, it has been classified as a Variant of Uncertain Significance.

Centre of Medical Genetics, University Hospital Muenster
Classification: Uncertain significance. Last evaluated: 2023-09-27. Review status: criteria provided, single submitter. Criteria: ACMG Guidelines, 2015. Collection method: clinical testing. Allele origin: unknown. Affected: yes. Observed: 1 variant allele, 1 heterozygote.
Comment: ACMG categories: PM2

NM_005862.3(STAG1):c.2099C>T (p.Ser700Phe)

Gene: STAG1 (STAG1 cohesin complex component; minus strand). Cytogenetic location: 3q22.3.
Variant type: single nucleotide variant.
Coding change: c.2099C>T on transcript NM_005862.3 (MANE Select); coding-DNA position 2099, C replaced by T.
Protein change: p.Ser700Phe; replaces serine 700 with phenylalanine.
Molecular consequence: missense variant.
Genome position (GRCh38, 1-based): chr3:136,421,102, G>A on the plus strand (C>T on the coding strand, the complement: STAG1 is on the minus strand). VCF-style: chr3-136421102-G-A. GRCh37 (hg19) VCF-style: chr3-136139944-G-A.
Other names: short protein forms S700F.
Identifiers: ClinVar variation 3062171 (VCV003062171.3), dbSNP rs2530388144, ClinGen allele CA354643361.